The following is an entry in ClinVar:

ClinVar aggregate classification (germline): Uncertain significance. Review status: criteria provided, multiple submitters, no conflicts (2 of 4 stars). 4 submissions from 4 submitters: Uncertain significance (4). Last evaluated 2026-01-17.

Conditions:
MYH2-related disorder. Also called: MYH2-related condition.
Inborn genetic diseases. Identifiers: MedGen C0950123, MeSH D030342.
Myopathy, proximal, and ophthalmoplegia (CMYO6). Also called: MYOPATHY WITH CONGENITAL JOINT CONTRACTURES, OPHTHALMOPLEGIA, AND RIMMED VACUOLES; INCLUSION BODY MYOPATHY 3, AUTOSOMAL DOMINANT; CONGENITAL MYOPATHY 6 WITH OPHTHALMOPLEGIA. Identifiers: Orphanet 363677, Orphanet 79091, MedGen C1854106, MONDO:0011577, OMIM 605637.

Allele frequency attached by ClinVar (database versions not stated): gnomAD exomes 0.00001; TOPMed 0.00001; ExAC 0.00002; gnomAD 0.00002 and 0.00003.
gnomAD v4.1: 20 of 1,614,060 alleles (0.0012%); highest among the groups gnomAD compares: Non-Finnish European, 0.0017%; no homozygotes.

Submissions (4):

Labcorp Genetics (formerly Invitae), Labcorp
Classification: Uncertain significance for Myopathy, proximal, and ophthalmoplegia. Last evaluated: 2026-01-17. Review status: criteria provided, single submitter. Criteria: Invitae Variant Classification Sherloc (09022015). Collection method: clinical testing. Allele origin: germline.
Comment: This sequence change replaces arginine, which is basic and polar, with histidine, which is basic and polar, at codon 1718 of the MYH2 protein (p.Arg1718His). This variant is present in population databases (rs755776701, gnomAD 0.002%). This variant has not been reported in the literature in individuals affected with MYH2-related conditions. ClinVar contains an entry for this variant (Variation ID: 1026420). Invitae Evidence Modeling of protein sequence and biophysical properties (such as structural, functional, and spatial information, amino acid conservation, physicochemical variation, residue mobility, and thermodynamic stability) indicates that this missense variant is expected to disrupt MYH2 protein function with a positive predictive value of 80%. In summary, the available evidence is currently insufficient to determine the role of this variant in disease. Therefore, it has been classified as a Variant of Uncertain Significance.

Ambry Genetics
Classification: Uncertain significance for Inborn genetic diseases. Last evaluated: 2025-08-20. Review status: criteria provided, single submitter. Criteria: Ambry Variant Classification Scheme 2023. Collection method: clinical testing. Allele origin: germline.

PreventionGenetics, part of Exact Sciences
Classification: Uncertain significance for MYH2-related condition. Last evaluated: 2023-06-22. Review status: criteria provided, single submitter. Criteria: ACMG Guidelines, 2015. Collection method: clinical testing. Allele origin: germline.
Comment: The MYH2 c.5153G>A variant is predicted to result in the amino acid substitution p.Arg1718His. To our knowledge, this variant has not been reported in the literature. This variant is reported in 0.0026% of alleles in individuals of European (Non-Finnish) descent in gnomAD. At this time, the clinical significance of this variant is uncertain due to the absence of conclusive functional and genetic evidence.

Revvity Omics, Revvity
Classification: Uncertain significance for Myopathy, proximal, and ophthalmoplegia. Last evaluated: 2019-07-16. Review status: criteria provided, single submitter. Criteria: ACMG Guidelines, 2015. Collection method: clinical testing. Allele origin: germline.

NM_017534.6(MYH2):c.5153G>A (p.Arg1718His)

Genes: MYHAS (myosin heavy chain gene cluster antisense RNA; plus strand), MYH2 (myosin heavy chain 2; minus strand). Cytogenetic location: 17p13.1.
Variant type: single nucleotide variant.
Coding change: c.5153G>A on transcript NM_017534.6 (MANE Select); coding-DNA position 5153, G replaced by A.
Protein change: p.Arg1718His; replaces arginine 1718 with histidine.
Molecular consequence: missense variant.
Genome position (GRCh38, 1-based): chr17:10,524,488, C>T on the plus strand (G>A on the coding strand, the complement: MYH2 is on the minus strand). VCF-style: chr17-10524488-C-T. GRCh37 (hg19) VCF-style: chr17-10427805-C-T.
Other names: c.5153G>A (NM_017534.5); c.5153G>A, p.Arg1718His (NM_001100112.2); short protein forms R1718H.
Identifiers: ClinVar variation 1026420 (VCV001026420.10), dbSNP rs755776701, ClinGen allele CA8390484.